The following is an entry in ClinVar:

NM_033124.5(DRC2):c.904_905del (p.Val302fs)

Gene: DRC2 (dynein regulatory complex subunit 2; plus strand). Cytogenetic location: 12q13.12.
Variant type: Deletion.
Coding change: c.904_905del on transcript NM_033124.5 (MANE Select); coding-DNA positions 904 to 905, 2 bases deleted (GT; older notation c.904_905delGT).
Protein change: p.Val302fs; shifts the reading frame from valine 302.
Molecular consequence: frameshift variant.
Genome position (GRCh38, 1-based): chr12:48,918,781-48,918,782, GT deleted; deleting any 2 consecutive bases within chr12:48,918,780-48,918,782 gives the same sequence; the c. name uses the placement nearest the transcript's 3' end. VCF-style (leftmost placement, unchanged base first): chr12-48918779-TTG-T. GRCh37 (hg19) VCF-style: chr12-49312562-TTG-T.
Other names: c.475_476del, p.Val159fs (NM_001286957.2); short protein forms V159fs, V302fs.
Identifiers: ClinVar variation 1959634 (VCV001959634.5), dbSNP rs2498844405, ClinGen allele CA2580085578.
Genomic context (GRCh38, chr12:48,918,779, plus strand): 5'-TACACAGCCGTGAGAGTGAAGATGAGAACCGGTATATCCGTAATGACAAGGAATTGGTCC[TTG>T]TACAACTGCGAAAACTTAAGGCCCAAAGAACTCAGGCCCGGGCAGCATCCCAGAAGAACT-3'

ClinVar aggregate classification (germline): Pathogenic (1 of 4 stars; one submission).

Conditions:
Primary ciliary dyskinesia 27. Also called: CILIARY DYSKINESIA, PRIMARY, 27, WITHOUT SITUS INVERSUS. Identifiers: Orphanet 244, MedGen C3809701, MONDO:0014215, OMIM 615504.

Submission:

Labcorp Genetics (formerly Invitae), Labcorp
Classification: Pathogenic for Primary ciliary dyskinesia 27. Last evaluated: 2022-04-07. Review status: criteria provided, single submitter. Criteria: Invitae Variant Classification Sherloc (09022015). Collection method: clinical testing. Allele origin: germline.
Comment: For these reasons, this variant has been classified as Pathogenic. This variant has not been reported in the literature in individuals affected with CCDC65-related conditions. This variant is not present in population databases (gnomAD no frequency). This sequence change creates a premature translational stop signal (p.Val302Thrfs*6) in the CCDC65 gene. It is expected to result in an absent or disrupted protein product. Loss-of-function variants in CCDC65 are known to be pathogenic (PMID: 23991085, 24094744).

Literature cited by the submitters: PubMed 23991085; PubMed 24094744.